The following is an entry in ClinVar:

ClinVar aggregate classification (germline): Pathogenic/Likely pathogenic. Review status: criteria provided, multiple submitters, no conflicts (2 of 4 stars). 2 submissions from 2 submitters: Pathogenic (1); Likely pathogenic (1). Last evaluated 2015-10-20.

Conditions:
Osteogenesis imperfecta (OI). Identifiers: Orphanet 666, MedGen C0029434, MeSH D010013, MONDO:0019019.

Submissions (2):

Eurofins Ntd Llc (ga)
Classification: Pathogenic. Last evaluated: 2015-10-20. Review status: criteria provided, single submitter. Criteria: EGL Classification Definitions 2015. Collection method: clinical testing. Allele origin: germline. Observed: 1 variant allele, 1 heterozygote.

Women's Health and Genetics/Laboratory Corporation of America, LabCorp
Classification: Likely pathogenic for Osteogenesis Imperfecta. Last evaluated: 2011-08-18. Review status: criteria provided, single submitter. Criteria: LabCorp Variant Classification Summary - May 2015. Collection method: curation, clinical testing. Allele origin: germline. Inheritance: autosomal unknown. Affected: yes.
ClinVar note: Converted during submission from likely pathogenic to Likely pathogenic.

NM_000088.4(COL1A1):c.2161C>T (p.Gln721Ter)

Gene: COL1A1 (collagen type I alpha 1 chain; minus strand). Cytogenetic location: 17q21.33.
Variant type: single nucleotide variant.
Coding change: c.2161C>T on transcript NM_000088.4 (MANE Select); coding-DNA position 2161, C replaced by T.
Protein change: p.Gln721Ter; replaces glutamine 721 with a stop codon.
Molecular consequence: nonsense.
Genome position (GRCh38, 1-based): chr17:50,191,457, G>A on the plus strand (C>T on the coding strand, the complement: COL1A1 is on the minus strand). VCF-style: chr17-50191457-G-A. GRCh37 (hg19) VCF-style: chr17-48268818-G-A.
Other names: short protein forms Q721*.
Identifiers: ClinVar variation 35908 (VCV000035908.7), dbSNP rs193922145, ClinGen allele CA260290.